The following is an entry in ClinVar:

ClinVar aggregate classification (germline): Uncertain significance. Review status: criteria provided, multiple submitters, no conflicts (2 of 4 stars). 2 submissions from 2 submitters: Uncertain significance (2). Last evaluated 2025-04-16.

Conditions:
Inborn genetic diseases. Identifiers: MedGen C0950123, MeSH D030342.

Allele frequency attached by ClinVar (database versions not stated): gnomAD exomes 0.00001 and 0.00006; ExAC 0.00002.
gnomAD v4.1: 25 of 1,565,936 alleles (0.0016%); highest among the groups gnomAD compares: Admixed American, 0.044%; no homozygotes.

Submissions (2):

Labcorp Genetics (formerly Invitae), Labcorp
Classification: Uncertain significance. Last evaluated: 2025-04-16. Review status: criteria provided, single submitter. Criteria: Invitae Variant Classification Sherloc (09022015). Collection method: clinical testing. Allele origin: germline.
Comment: This sequence change replaces leucine, which is neutral and non-polar, with valine, which is neutral and non-polar, at codon 1961 of the MPDZ protein (p.Leu1961Val). This variant is present in population databases (rs538619524, gnomAD 0.04%). This variant has not been reported in the literature in individuals affected with MPDZ-related conditions. ClinVar contains an entry for this variant (Variation ID: 1416423). An algorithm developed to predict the effect of missense changes on protein structure and function (PolyPhen-2) suggests that this variant is likely to be disruptive. In summary, the available evidence is currently insufficient to determine the role of this variant in disease. Therefore, it has been classified as a Variant of Uncertain Significance.

Ambry Genetics
Classification: Uncertain significance for Inborn genetic diseases. Last evaluated: 2022-08-08. Review status: criteria provided, single submitter. Criteria: Ambry Variant Classification Scheme 2023. Collection method: clinical testing. Allele origin: germline.

NM_001378778.1(MPDZ):c.5968C>G (p.Leu1990Val)

Gene: MPDZ (multiple PDZ domain crumbs cell polarity complex component; minus strand). Cytogenetic location: 9p23.
Variant type: single nucleotide variant.
Coding change: c.5968C>G on transcript NM_001378778.1 (MANE Select); coding-DNA position 5968, C replaced by G.
Protein change: p.Leu1990Val; replaces leucine 1990 with valine.
Molecular consequence: missense variant.
Genome position (GRCh38, 1-based): chr9:13,109,034, G>C on the plus strand (C>G on the coding strand, the complement: MPDZ is on the minus strand). VCF-style: chr9-13109034-G-C. GRCh37 (hg19) VCF-style: chr9-13109033-G-C.
Other names: c.5881C>G (NM_003829.3); c.5869C>G, p.Leu1957Val (NM_001261406.2, NM_001375416.1, NM_001375417.1 and 1 more transcripts); c.5782C>G, p.Leu1928Val (NM_001261407.2, NM_001375419.1); c.5968C>G, p.Leu1990Val (NM_001330637.2); c.6067C>G, p.Leu2023Val (NM_001375413.1); c.5758C>G, p.Leu1920Val (NM_001375420.1, NM_001375421.1, NM_001375422.1 and 2 more transcripts); c.5671C>G, p.Leu1891Val (NM_001375425.1, NM_001375426.1); c.5560C>G, p.Leu1854Val (NM_001375427.1); and 1 more; short protein forms L1928V, L2023V, L1990V, L1957V, L1961V, L1854V, L1891V, L1920V.
Identifiers: ClinVar variation 1416423 (VCV001416423.5), dbSNP rs538619524, ClinGen allele CA4986011.